The following is an entry in ClinVar:

NM_024675.4(PALB2):c.826C>T (p.His276Tyr)

Gene: PALB2 (partner and localizer of BRCA2; minus strand). Cytogenetic location: 16p12.2.
Variant type: single nucleotide variant.
Coding change: c.826C>T on transcript NM_024675.4 (MANE Select); coding-DNA position 826, C replaced by T.
Protein change: p.His276Tyr; replaces histidine 276 with tyrosine.
Molecular consequence: missense variant.
Genome position (GRCh38, 1-based): chr16:23,635,720, G>A on the plus strand (C>T on the coding strand, the complement: PALB2 is on the minus strand). VCF-style: chr16-23635720-G-A. GRCh37 (hg19) VCF-style: chr16-23647041-G-A.
Other names: short protein forms H276Y.
Identifiers: ClinVar variation 230863 (VCV000230863.12), dbSNP rs876658815, ClinGen allele CA10580030.

ClinVar aggregate classification (germline): Conflicting classifications of pathogenicity. Review status: criteria provided, conflicting classifications (1 of 4 stars). 2 submissions from 2 submitters: Uncertain significance (1); Likely benign (1). Last evaluated 2026-01-27.

Conditions:
Familial cancer of breast. Also called: BREAST CANCER, FAMILIAL; hereditary breast carcinoma; Hereditary breast cancer. Identifiers: Orphanet 227535, MedGen C0346153, MONDO:0016419, OMIM 114480. Disease mechanism: loss of function.
Hereditary cancer-predisposing syndrome. Also called: Neoplastic Syndromes, Hereditary; Tumor predisposition; Hereditary Cancer Syndrome; Hereditary neoplastic syndrome. Identifiers: Orphanet 140162, MedGen C0027672, MeSH D009386, MONDO:0015356.

gnomAD v4.1: 1 of 1,614,132 alleles (0.000062%); no homozygotes.

Submissions (2):

Labcorp Genetics (formerly Invitae), Labcorp
Classification: Uncertain significance for Familial cancer of breast. Last evaluated: 2026-01-27. Review status: criteria provided, single submitter. Criteria: Invitae Variant Classification Sherloc (09022015). Collection method: clinical testing. Allele origin: germline.
Comment: This sequence change replaces histidine, which is basic and polar, with tyrosine, which is neutral and polar, at codon 276 of the PALB2 protein (p.His276Tyr). This variant is not present in population databases (gnomAD no frequency). This variant has not been reported in the literature in individuals affected with PALB2-related conditions. ClinVar contains an entry for this variant (Variation ID: 230863). An algorithm developed to predict the effect of missense changes on protein structure and function (PolyPhen-2) suggests that this variant is likely to be tolerated. In summary, the available evidence is currently insufficient to determine the role of this variant in disease. Therefore, it has been classified as a Variant of Uncertain Significance.

Ambry Genetics
Classification: Likely benign for Hereditary cancer-predisposing syndrome. Last evaluated: 2024-03-27. Review status: criteria provided, single submitter. Criteria: Ambry Variant Classification Scheme 2023. Collection method: clinical testing. Allele origin: germline.